The following is an entry in ClinVar:

NM_152383.5(DIS3L2):c.566G>T (p.Gly189Val)

Gene: DIS3L2 (DIS3 like 3'-5' exoribonuclease 2; plus strand). Cytogenetic location: 2q37.1.
Variant type: single nucleotide variant.
Coding change: c.566G>T on transcript NM_152383.5 (MANE Select); coding-DNA position 566, G replaced by T.
Protein change: p.Gly189Val; replaces glycine 189 with valine.
Molecular consequence: missense variant. On other transcripts: non-coding transcript variant (2).
Genome position (GRCh38, 1-based): chr2:232,087,686, G>T. VCF-style: chr2-232087686-G-T. GRCh37 (hg19) VCF-style: chr2-232952396-G-T.
Other names: c.566G>T, p.Gly189Val (NM_001257281.2, NM_001257282.2); short protein forms G189V.
Identifiers: ClinVar variation 410777 (VCV000410777.11), dbSNP rs755258805, ClinGen allele CA2163847.

ClinVar aggregate classification (germline): Uncertain significance. Review status: criteria provided, multiple submitters, no conflicts (2 of 4 stars). 5 submissions from 5 submitters: Uncertain significance (5). Last evaluated 2025-08-22.

Conditions:
Perlman syndrome (PRLMNS). Identifiers: Orphanet 2849, MedGen C0796113, MONDO:0009965, OMIM 267000.
Inborn genetic diseases. Identifiers: MedGen C0950123, MeSH D030342.

Allele frequency attached by ClinVar (database versions not stated): TOPMed below 0.00001.
gnomAD v4.1: 21 of 1,614,154 alleles (0.0013%); highest among the groups gnomAD compares: Middle Eastern, 0.099%; no homozygotes.

Submissions (5):

Ambry Genetics
Classification: Uncertain significance for Inborn genetic diseases. Last evaluated: 2025-08-22. Review status: criteria provided, single submitter. Criteria: Ambry Variant Classification Scheme 2023. Collection method: clinical testing. Allele origin: germline.

Revvity Omics, Revvity
Classification: Uncertain significance for Perlman syndrome. Last evaluated: 2024-02-05. Review status: criteria provided, single submitter. Criteria: ACMG Guidelines, 2015. Collection method: clinical testing. Allele origin: germline.

Fulgent Genetics
Classification: Uncertain significance for Perlman syndrome. Last evaluated: 2024-01-26. Review status: criteria provided, single submitter. Criteria: ACMG Guidelines, 2015. Collection method: clinical testing. Allele origin: germline.

Labcorp Genetics (formerly Invitae), Labcorp
Classification: Uncertain significance for Perlman syndrome. Last evaluated: 2023-10-15. Review status: criteria provided, single submitter. Criteria: Invitae Variant Classification Sherloc (09022015). Collection method: clinical testing. Allele origin: germline.
Comment: This sequence change replaces glycine, which is neutral and non-polar, with valine, which is neutral and non-polar, at codon 189 of the DIS3L2 protein (p.Gly189Val). This variant is present in population databases (rs755258805, gnomAD 0.004%). This variant has not been reported in the literature in individuals affected with DIS3L2-related conditions. ClinVar contains an entry for this variant (Variation ID: 410777). An algorithm developed to predict the effect of missense changes on protein structure and function (PolyPhen-2) suggests that this variant is likely to be tolerated. In summary, the available evidence is currently insufficient to determine the role of this variant in disease. Therefore, it has been classified as a Variant of Uncertain Significance.

Breakthrough Genomics
Classification: Uncertain significance. Review status: criteria provided, single submitter. Criteria: ACMG Guidelines, 2015. Collection method: not provided. Allele origin: germline. Inheritance: Autosomal recessive inheritance. Affected: yes.